The following is an entry in ClinVar:

ClinVar aggregate classification (germline): Pathogenic (1 of 4 stars; one submission).

Conditions:
Peroxisome biogenesis disorder. Identifiers: Orphanet 79189, MedGen C1832200, MONDO:0019234. Disease mechanism: loss of function.

Submission:

Labcorp Genetics (formerly Invitae), Labcorp
Classification: Pathogenic for Peroxisome biogenesis disorder. Last evaluated: 2023-05-20. Review status: criteria provided, single submitter. Criteria: Invitae Variant Classification Sherloc (09022015). Collection method: clinical testing. Allele origin: germline.
Comment: For these reasons, this variant has been classified as Pathogenic. This variant has not been reported in the literature in individuals affected with PEX6-related conditions. This variant is not present in population databases (gnomAD no frequency). This sequence change creates a premature translational stop signal (p.Gly749Alafs*9) in the PEX6 gene. It is expected to result in an absent or disrupted protein product. Loss-of-function variants in PEX6 are known to be pathogenic (PMID: 8670792, 19877282, 21031596).

Literature cited by the submitters: PubMed 8670792; PubMed 19877282; PubMed 21031596.

NM_000287.4(PEX6):c.2244del (p.Gly749fs)

Gene: PEX6 (peroxisomal biogenesis factor 6; minus strand). Cytogenetic location: 6p21.1.
Variant type: Deletion.
Coding change: c.2244del on transcript NM_000287.4 (MANE Select); coding-DNA position 2244, one base deleted (C; older notation c.2244delC).
Protein change: p.Gly749fs; shifts the reading frame from glycine 749.
Molecular consequence: frameshift variant.
Genome position (GRCh38, 1-based): chr6:42,966,298, G deleted on the plus strand (C on the coding strand, the reverse complement: PEX6 is on the minus strand); the first of 2 consecutive G bases (chr6:42,966,298-42,966,299); deleting either gives the same sequence. VCF-style (leftmost placement, unchanged base first): chr6-42966297-CG-C. GRCh37 (hg19) VCF-style: chr6-42934035-CG-C.
Other names: c.1980del, p.Gly661fs (NM_001316313.2); short protein forms G661fs, G749fs.
Identifiers: ClinVar variation 2866299 (VCV002866299.3), dbSNP rs2481207905, ClinGen allele CA2578620669.